The following is an entry in ClinVar:

NM_001264.5(CDSN):c.106G>A (p.Gly36Ser)

Genes: CDSN (corneodesmosin; minus strand), PSORS1C1 (psoriasis susceptibility 1 candidate 1; plus strand). Cytogenetic location: 6p21.33.
Variant type: single nucleotide variant.
Coding change: c.106G>A on transcript NM_001264.5 (MANE Select); coding-DNA position 106, G replaced by A.
Protein change: p.Gly36Ser; replaces glycine 36 with serine.
Molecular consequence: missense variant. On other transcripts: intron variant (1).
Genome position (GRCh38, 1-based): chr6:31,117,509, C>T on the plus strand (G>A on the coding strand, the complement: CDSN is on the minus strand). VCF-style: chr6-31117509-C-T. GRCh37 (hg19) VCF-style: chr6-31085286-C-T.
Other names: c.-229+2618C>T (NM_014068.3); c.106G>A (NM_001264.4); short protein forms G36S.
Identifiers: ClinVar variation 2041356 (VCV002041356.5), dbSNP rs144847588, ClinGen allele CA3708557.

ClinVar aggregate classification (germline): Benign. Review status: criteria provided, multiple submitters, no conflicts (2 of 4 stars). 2 submissions from 2 submitters: Benign (2). Last evaluated 2026-02-04.

Conditions:
CDSN-related disorder. Also called: CDSN-related condition.

Allele frequency attached by ClinVar (database versions not stated): ESP Exome Variant Server 0.00087; TOPMed 0.00313; gnomAD exomes 0.00362; gnomAD 0.00401; 1000 Genomes Project 30x 0.01390; 1000 Genomes Project 0.01538; ExAC 0.02398.
gnomAD v4.1: 5,834 of 1,550,860 alleles (0.38%); highest among the groups gnomAD compares: South Asian, 5.3%; 193 homozygotes.

Submissions (2):

Labcorp Genetics (formerly Invitae), Labcorp
Classification: Benign. Last evaluated: 2026-02-04. Review status: criteria provided, single submitter. Criteria: Invitae Variant Classification Sherloc (09022015). Collection method: clinical testing. Allele origin: germline.

PreventionGenetics, part of Exact Sciences
Classification: Benign for CDSN-related condition. Last evaluated: 2025-02-27. Review status: criteria provided, single submitter. Criteria: ACMG Guidelines, 2015. Collection method: clinical testing. Allele origin: germline.
Comment: This variant is classified as benign based on ACMG/AMP sequence variant interpretation guidelines (Richards et al. 2015 PMID: 25741868, with internal and published modifications).